The following is an entry in ClinVar:

ClinVar aggregate classification (germline): Uncertain significance (1 of 4 stars; one submission).

Allele frequency attached by ClinVar (database versions not stated): gnomAD exomes 0.00001 and 0.00002; TOPMed 0.00001; ExAC 0.00002.
gnomAD v4.1: 4 of 1,614,032 alleles (0.00025%); highest among the groups gnomAD compares: South Asian, 0.0044%; no homozygotes.

Submission:

Labcorp Genetics (formerly Invitae), Labcorp
Classification: Uncertain significance. Last evaluated: 2024-03-20. Review status: criteria provided, single submitter. Criteria: Invitae Variant Classification Sherloc (09022015). Collection method: clinical testing. Allele origin: germline.
Comment: This sequence change replaces valine, which is neutral and non-polar, with alanine, which is neutral and non-polar, at codon 1455 of the VCAN protein (p.Val1455Ala). This variant is present in population databases (rs754945349, gnomAD 0.01%). This variant has not been reported in the literature in individuals affected with VCAN-related conditions. ClinVar contains an entry for this variant (Variation ID: 850283). An algorithm developed to predict the effect of missense changes on protein structure and function (PolyPhen-2) suggests that this variant is likely to be tolerated. In summary, the available evidence is currently insufficient to determine the role of this variant in disease. Therefore, it has been classified as a Variant of Uncertain Significance.

NM_004385.5(VCAN):c.4364T>C (p.Val1455Ala)

Genes: VCAN (versican; plus strand), VCAN-AS1 (VCAN antisense RNA 1; minus strand). Cytogenetic location: 5q14.3.
Variant type: single nucleotide variant.
Coding change: c.4364T>C on transcript NM_004385.5 (MANE Select); coding-DNA position 4364, T replaced by C.
Protein change: p.Val1455Ala; replaces valine 1455 with alanine.
Molecular consequence: missense variant. On other transcripts: intron variant (2).
Genome position (GRCh38, 1-based): chr5:83,537,367, T>C. VCF-style: chr5-83537367-T-C. GRCh37 (hg19) VCF-style: chr5-82833186-T-C.
Other names: c.1403T>C, p.Val468Ala (NM_001164097.2); c.4004-8170T>C (NM_001164098.2); c.1043-8170T>C (NM_001126336.3); short protein forms V1455A, V468A.
Identifiers: ClinVar variation 850283 (VCV000850283.9), dbSNP rs754945349, ClinGen allele CA3333160.